The following is an entry in ClinVar:

NM_000222.3(KIT):c.569A>T (p.Gln190Leu)

Gene: KIT (KIT proto-oncogene, receptor tyrosine kinase; plus strand). Cytogenetic location: 4q12.
Variant type: single nucleotide variant.
Coding change: c.569A>T on transcript NM_000222.3 (MANE Select); coding-DNA position 569, A replaced by T.
Protein change: p.Gln190Leu; replaces glutamine 190 with leucine.
Molecular consequence: missense variant.
Genome position (GRCh38, 1-based): chr4:54,698,515, A>T. VCF-style: chr4-54698515-A-T. GRCh37 (hg19) VCF-style: chr4-55564681-A-T.
Other names: c.569A>T (NM_000222.2); c.569A>T, p.Gln190Leu (NM_001093772.2, NM_001385284.1, NM_001385285.1 and 4 more transcripts); short protein forms Q190L.
Identifiers: ClinVar variation 1043972 (VCV001043972.10), dbSNP rs1060502547, ClinGen allele CA356897972.

ClinVar aggregate classification (germline): Uncertain significance. Review status: criteria provided, multiple submitters, no conflicts (2 of 4 stars). 2 submissions from 2 submitters: Uncertain significance (2). Last evaluated 2025-06-30.

Conditions:
Hereditary cancer-predisposing syndrome. Also called: Tumor predisposition; Neoplastic Syndromes, Hereditary; Hereditary neoplastic syndrome; Hereditary Cancer Syndrome. Identifiers: Orphanet 140162, MedGen C0027672, MeSH D009386, MONDO:0015356.
Gastrointestinal stromal tumor. Also called: Gastrointestinal stromal tumor, somatic; Gastrointestinal stroma tumor. Identifiers: Orphanet 44890, MedGen C0238198, MeSH D046152, MONDO:0011719, OMIM 606764, HP:0100723.

Allele frequency attached by ClinVar (database versions not stated): gnomAD exomes below 0.00001; TOPMed below 0.00001.
gnomAD v4.1: 1 of 1,614,204 alleles (0.000062%); highest among the groups gnomAD compares: Non-Finnish European, 0.000085%; no homozygotes.

Submissions (2):

Ambry Genetics
Classification: Uncertain significance for Hereditary cancer-predisposing syndrome. Last evaluated: 2025-06-30. Review status: criteria provided, single submitter. Criteria: Ambry Variant Classification Scheme 2023. Collection method: clinical testing. Allele origin: germline.
Comment: The p.Q190L variant (also known as c.569A>T), located in coding exon 3 of the KIT gene, results from an A to T substitution at nucleotide position 569. The glutamine at codon 190 is replaced by leucine, an amino acid with dissimilar properties. This amino acid position is conserved. In addition, this alteration is predicted to be tolerated by in silico analysis. Based on the available evidence, the clinical significance of this variant remains unclear.

Labcorp Genetics (formerly Invitae), Labcorp
Classification: Uncertain significance for Gastrointestinal stromal tumor. Last evaluated: 2022-10-16. Review status: criteria provided, single submitter. Criteria: Invitae Variant Classification Sherloc (09022015). Collection method: clinical testing. Allele origin: germline.
Comment: This sequence change replaces glutamine, which is neutral and polar, with leucine, which is neutral and non-polar, at codon 190 of the KIT protein (p.Gln190Leu). This variant has not been reported in the literature in individuals affected with KIT-related conditions. This variant is not present in population databases (gnomAD no frequency). In summary, the available evidence is currently insufficient to determine the role of this variant in disease. Therefore, it has been classified as a Variant of Uncertain Significance. Algorithms developed to predict the effect of missense changes on protein structure and function output the following: SIFT: "Tolerated"; PolyPhen-2: "Benign"; Align-GVGD: "Class C0". The leucine amino acid residue is found in multiple mammalian species, which suggests that this missense change does not adversely affect protein function. ClinVar contains an entry for this variant (Variation ID: 1043972).